The following is an entry in ClinVar:

NM_080552.3(SLC32A1):c.179T>G (p.Met60Arg)

Gene: SLC32A1 (solute carrier family 32 member 1; plus strand). Cytogenetic location: 20q11.23.
Variant type: single nucleotide variant.
Coding change: c.179T>G on transcript NM_080552.3 (MANE Select); coding-DNA position 179, T replaced by G.
Protein change: p.Met60Arg; replaces methionine 60 with arginine.
Molecular consequence: missense variant.
Genome position (GRCh38, 1-based): chr20:38,724,903, T>G. VCF-style: chr20-38724903-T-G. GRCh37 (hg19) VCF-style: chr20-37353546-T-G.
Other names: short protein forms M60R.
Identifiers: ClinVar variation 3376871 (VCV003376871.1).

ClinVar aggregate classification (germline): Uncertain significance (1 of 4 stars; one submission).

Conditions:
Developmental and epileptic encephalopathy. Identifiers: MedGen C5779964, MONDO:0100620.

Submission:

Victorian Clinical Genetics Services, Murdoch Childrens Research Institute
Classification: Uncertain significance for Developmental and epileptic encephalopathy. Last evaluated: 2024-09-19. Review status: criteria provided, single submitter. Criteria: ACMG Guidelines, 2015. Collection method: clinical testing. Allele origin: germline. Inheritance: Autosomal dominant inheritance. Affected: yes.
Comment: Based on the classification scheme VCGS_Germline_v1.3.4, this variant is classified as VUS-3B. Following criteria are met: 0102 - Loss of function is a known mechanism of disease in this gene and is associated with developmental and epileptic encephalopathy, (MONDO:0100062), SLC32A1-related . (I) 0107 - This gene is associated with autosomal dominant disease. (I) 0200 - Variant is predicted to result in a missense amino acid change from methionine to arginine. (I) 0251 - This variant is heterozygous. (I) 0301 - Variant is absent from gnomAD (both v2 and v3). (SP) 0503 - Missense variant consistently predicted to be tolerated by multiple in silico tools or not conserved in placental mammals with a minor amino acid change. (SB) 0604 - Variant is not located in an established domain, motif, hotspot or informative constraint region. (I) 0705 - No comparable missense variants have previous evidence for pathogenicity. (I) 0807 - This variant has no previous evidence of pathogenicity. (I) 0905 - No published segregation evidence has been identified for this variant. (I) 1007 - No published functional evidence has been identified for this variant. (I) Legend: (SP) - Supporting pathogenic, (I) - Information, (SB) - Supporting benign